The following is an entry in ClinVar:

NM_016239.4(MYO15A):c.5870_5876del (p.Ser1957fs)

Gene: MYO15A (myosin XVA; plus strand). Cytogenetic location: 17p11.2.
Variant type: Deletion.
Coding change: c.5870_5876del on transcript NM_016239.4 (MANE Select); coding-DNA positions 5870 to 5876, 7 bases deleted (CCCTGGT; older notation c.5870_5876delCCCTGGT).
Protein change: p.Ser1957fs; shifts the reading frame from serine 1957.
Molecular consequence: frameshift variant.
Genome position (GRCh38, 1-based): chr17:18,142,800-18,142,806, CCCTGGT deleted; deleting any 7 consecutive bases within chr17:18,142,797-18,142,806 gives the same sequence; the c. name uses the placement nearest the transcript's 3' end. VCF-style (leftmost placement, unchanged base first): chr17-18142796-CGGTCCCT-C. GRCh37 (hg19) VCF-style: chr17-18046110-CGGTCCCT-C.
Other names: short protein forms S1957fs.
Identifiers: ClinVar variation 2772264 (VCV002772264.3), dbSNP rs2545261985, ClinGen allele CA2697559465.

ClinVar aggregate classification (germline): Pathogenic (1 of 4 stars; one submission).

Submission:

Labcorp Genetics (formerly Invitae), Labcorp
Classification: Pathogenic. Last evaluated: 2023-10-28. Review status: criteria provided, single submitter. Criteria: Invitae Variant Classification Sherloc (09022015). Collection method: clinical testing. Allele origin: germline.
Comment: This sequence change creates a premature translational stop signal (p.Ser1957Tyrfs*5) in the MYO15A gene. It is expected to result in an absent or disrupted protein product. Loss-of-function variants in MYO15A are known to be pathogenic (PMID: 17546645). This variant is not present in population databases (gnomAD no frequency). This variant has not been reported in the literature in individuals affected with MYO15A-related conditions. For these reasons, this variant has been classified as Pathogenic.

Literature cited by the submitters: PubMed 17546645.